The following is an entry in ClinVar:

ClinVar aggregate classification (germline): Uncertain significance (1 of 4 stars; one submission).

Conditions:
Dextro-looped transposition of the great arteries. Also called: Dextrotransposition of the great arteries. Identifiers: Orphanet 860, MedGen C3531771, MONDO:0019443, OMIM 608808, HP:0031348.

Allele frequency attached by ClinVar (database versions not stated): gnomAD exomes 0.00001.

Submission:

Labcorp Genetics (formerly Invitae), Labcorp
Classification: Uncertain significance for Dextro-looped transposition of the great arteries. Last evaluated: 2024-01-06. Review status: criteria provided, single submitter. Criteria: Invitae Variant Classification Sherloc (09022015). Collection method: clinical testing. Allele origin: germline.
Comment: This sequence change replaces valine, which is neutral and non-polar, with alanine, which is neutral and non-polar, at codon 1387 of the MED13L protein (p.Val1387Ala). This variant is present in population databases (no rsID available, gnomAD 0.0009%). This variant has not been reported in the literature in individuals affected with MED13L-related conditions. Advanced modeling of protein sequence and biophysical properties (such as structural, functional, and spatial information, amino acid conservation, physicochemical variation, residue mobility, and thermodynamic stability) performed at Invitae indicates that this missense variant is not expected to disrupt MED13L protein function with a negative predictive value of 80%. In summary, the available evidence is currently insufficient to determine the role of this variant in disease. Therefore, it has been classified as a Variant of Uncertain Significance.

NM_015335.5(MED13L):c.4160T>C (p.Val1387Ala)

Gene: MED13L (mediator complex subunit 13L; minus strand). Cytogenetic location: 12q24.21.
Variant type: single nucleotide variant.
Coding change: c.4160T>C on transcript NM_015335.5 (MANE Select); coding-DNA position 4160, T replaced by C.
Protein change: p.Val1387Ala; replaces valine 1387 with alanine.
Molecular consequence: missense variant.
Genome position (GRCh38, 1-based): chr12:115,986,444, A>G on the plus strand (T>C on the coding strand, the complement: MED13L is on the minus strand). VCF-style: chr12-115986444-A-G. GRCh37 (hg19) VCF-style: chr12-116424249-A-G.
Other names: short protein forms V1387A.
Identifiers: ClinVar variation 2905300 (VCV002905300.3), dbSNP rs1282370786, ClinGen allele CA386884715.
Genomic context (GRCh38, chr12:115,986,444, plus strand): 5'-AGCCTCTCCCAAAACGGCAAGGAGAATGGCGAGATGGTGAGGAAATCCTTGTCATAGCCT[A>G]CCAGCAGAGTGGGGATGGGCAACGGCTCAGGAGATTCTTCCGAACCTAAAATGACATTGT-3'
Protein context (NP_056150.1, residues 1377-1397): PEPLPIPTLL[Val1387Ala]GYDKDFLTIS